The following is an entry in ClinVar:

ClinVar aggregate classification (germline): Likely pathogenic (1 of 4 stars; one submission).

Submission:

GeneDx
Classification: Likely pathogenic. Last evaluated: 2019-02-13. Review status: criteria provided, single submitter. Criteria: GeneDx Variant Classification (06012015). Collection method: clinical testing. Allele origin: germline. Affected: yes.
Comment: The c.3810delA variant in the ANK3 gene has not been reported previously as a pathogenic variant nor as a benign variant, to our knowledge. The c.3810delA variant causes a frameshift starting with codon Aspartic acid 127, changes this amino acid to an Isoleucine residue, and creates a premature Stop codon at position 22 of the new reading frame, denoted p.Asp1271IlefsX22. This variant is predicted to cause loss of normal protein function either through protein truncation or nonsense-mediated mRNA decay. The c.3810delA variant is not observed in large population cohorts (Lek et al., 2016). We interpret c.3810delA as a likely pathogenic variant.

NM_020987.5(ANK3):c.3810del (p.Asp1271fs)

Gene: ANK3 (ankyrin 3; minus strand). Cytogenetic location: 10q21.2.
Variant type: Deletion.
Coding change: c.3810del on transcript NM_020987.5 (MANE Select); coding-DNA position 3810, one base deleted (A; older notation c.3810delA).
Protein change: p.Asp1271fs; shifts the reading frame from aspartic acid 1271.
Molecular consequence: frameshift variant.
Genome position (GRCh38, 1-based): chr10:60,085,192, T deleted on the plus strand (A on the coding strand, the reverse complement: ANK3 is on the minus strand); the first of 4 consecutive T bases (chr10:60,085,192-60,085,195); deleting any one gives the same sequence. VCF-style (leftmost placement, unchanged base first): chr10-60085191-CT-C. GRCh37 (hg19) VCF-style: chr10-61844949-CT-C.
Other names: c.1212del, p.Asp405fs (NM_001149.4); c.3792del, p.Asp1265fs (NM_001204403.2); c.3813del, p.Asp1272fs (NM_001204404.2); c.3810del, p.Asp1271fs (NM_001320874.2); short protein forms D1265fs, D1272fs, D1271fs, D405fs.
Identifiers: ClinVar variation 817450 (VCV000817450.1), dbSNP rs1589763169, ClinGen allele CA915945920.